The following is an entry in ClinVar:

NM_024675.4(PALB2):c.1632A>G (p.Glu544=)

Gene: PALB2 (partner and localizer of BRCA2; minus strand). Cytogenetic location: 16p12.2.
Variant type: single nucleotide variant.
Coding change: c.1632A>G on transcript NM_024675.4 (MANE Select); coding-DNA position 1632, A replaced by G.
Protein change: p.Glu544=; no amino-acid change (glutamic acid 544 retained).
Molecular consequence: synonymous variant. On other transcripts: intron variant (3).
Genome position (GRCh38, 1-based): chr16:23,634,914, T>C on the plus strand (A>G on the coding strand, the complement: PALB2 is on the minus strand). VCF-style: chr16-23634914-T-C. GRCh37 (hg19) VCF-style: chr16-23646235-T-C.
Other names: c.1572A>G, p.Glu524= (NM_001407296.1); c.1632A>G, p.Glu544= (NM_001407297.1, NM_001407298.1, NM_001407299.1 and 3 more transcripts); c.747A>G, p.Glu249= (NM_001407304.1, NM_001407305.1, NM_001407306.1 and 5 more transcripts); c.49-5639A>G (NM_001407314.1); c.-104-4445A>G (NM_001407313.1, NM_001407312.1).
Identifiers: ClinVar variation 3903870 (VCV003903870.1).
Genomic context (GRCh38, chr16:23,634,914, plus strand): 5'-TGATTTACCTTTCACTTGAATAAATAATTTTTCGTGCTGATATTTGTGTGAGGTGACTTC[T>C]TCCTTGGACCTGTTAACAATCGACAGGCTAGAAGTTGGCAAAAGTGGTTCACAATGATCT-3'
Protein context (NP_078951.2, residues 534-554): SSLSIVNRSK[Glu544=]EVTSHKYQHE

ClinVar aggregate classification (germline): Benign (1 of 4 stars; one submission).

Conditions:
Familial cancer of breast. Also called: Hereditary breast cancer; hereditary breast carcinoma; BREAST CANCER, FAMILIAL. Identifiers: Orphanet 227535, MedGen C0346153, MONDO:0016419, OMIM 114480. Disease mechanism: loss of function.

Submission:

Myriad Genetics, Inc.
Classification: Benign for Familial cancer of breast. Last evaluated: 2025-01-14. Review status: criteria provided, single submitter. Criteria: Myriad Autosomal Dominant, Autosomal Recessive and X-Linked Classification Criteria (2023). Collection method: clinical testing. Allele origin: unknown.
Comment: This variant is considered benign. This variant is a silent/synonymous amino acid change and it is not expected to impact splicing.